The following is an entry in ClinVar:

ClinVar aggregate classification (germline): Conflicting classifications of pathogenicity. Review status: criteria provided, conflicting classifications (1 of 4 stars). 8 submissions from 8 submitters: Pathogenic (4); Likely pathogenic (2); Uncertain significance (1). 1 of the submissions does not count toward it. Last evaluated 2026-07-28.

Conditions:
Mitochondrial complex I deficiency, nuclear type 17. Also called: Mitochondrial complex 1 deficiency, nuclear type 17. Identifiers: MedGen C4748786, MONDO:0032622, OMIM 618239.
Mitochondrial disease. Also called: Mitochondrial disorder; Mitochondrial disorders. Identifiers: Orphanet 68380, MedGen C0751651, MeSH D028361, MONDO:0044970.
NDUFAF6-related disorder. Also called: NDUFAF6-related condition.
Fanconi renotubular syndrome 5. Also called: FANCONI RENOTUBULAR SYNDROME, ACADIAN VARIANT. Identifiers: MedGen C5394473, MONDO:0030056, OMIM 618913.

Allele frequency attached by ClinVar (database versions not stated): gnomAD 0.00004 and 0.00005; TOPMed 0.00007; 1000 Genomes Project 30x 0.00016; 1000 Genomes Project 0.00020.

Submissions (8):

Undiagnosed Diseases Network, NIH
Classification: Pathogenic for Mitochondrial complex I deficiency, nuclear type 17. Last evaluated: 2026-07-28. Review status: criteria provided, single submitter. Criteria: ACMG Guidelines, 2015. Collection method: clinical testing. Allele origin: paternal. Inheritance: Autosomal recessive inheritance. Affected: yes. Observed: 1 variant allele, 1 compound heterozygote. Study: Undiagnosed Diseases Network, UDN.

Labcorp Genetics (formerly Invitae), Labcorp
Classification: Pathogenic. Last evaluated: 2026-01-05. Review status: criteria provided, single submitter. Criteria: Invitae Variant Classification Sherloc (09022015). Collection method: clinical testing. Allele origin: germline.
Comment: This sequence change falls in intron 2 of the NDUFAF6 gene. It does not directly change the encoded amino acid sequence of the NDUFAF6 protein. This variant is not present in population databases (gnomAD no frequency). This variant has been observed in individual(s) with Fanconi syndrome (PMID: 27466185). It has also been observed to segregate with disease in related individuals. ClinVar contains an entry for this variant (Variation ID: 917900). Algorithms developed to predict the effect of sequence changes on RNA splicing suggest that this variant is not likely to affect RNA splicing. For these reasons, this variant has been classified as Pathogenic.

Victorian Clinical Genetics Services, Murdoch Childrens Research Institute
Classification: Pathogenic for Mitochondrial disease. Last evaluated: 2025-09-12. Review status: criteria provided, single submitter. Criteria: ACMG Guidelines, 2015. Collection method: clinical testing. Allele origin: germline. Affected: yes.
Comment: This variant is classified as Pathogenic. Evidence in support of pathogenic classification: Non-coding variant with predicted effect. RT-PCR studies support aberrant splicing when this variant is on the same allele as the c.298-731A>G polymorphism (PMID: 27466185). It is predicted to create a cryptic exon with introduction of a premature stop codon resulting in nonsense-mediated decay (PMID: 27466185); Variant is present in gnomAD <0.01 for a recessive condition (v4: 7 heterozygotes, 0 homozygotes); This variant has strong previous evidence of pathogenicity in unrelated individuals. This variant has been reported as homozygous in ten individuals from seven families in a founder ethnic sub-population (Acadian, Eastern Canada) with Fanconi renotubular syndrome 5 (MIM#618913) (PMID: 27466185). This variant has also been identified as compound heterozygous in individuals with primary mitochondrial disease (ClinGen Mitochondrial and Tubulopathy GCEP); This variant has strong evidence for segregation with disease. This variant has been reported as homozygous in ten affected individuals from 7 families with Fanconi renotubular syndrome 5 (MIM#618913) (PMID: 27466185); This variant has strong functional evidence supporting abnormal protein function. NDFUFAF6 mitochondrial isoform (V_1) was shown to be depleted in affected skin fibroblasts and lung tissue with reduction in mitochondrial complex I subunuits (PMID: 27466185); Strong phenotype match for this individual. Additional information: This variant is heterozygous; This gene is associated with autosomal recessive disease; No comparable variants have previous evidence for pathogenicity; Loss of function is a known mechanism of disease in this gene and is associated with autosomal recessive primary mitochondrial disease (ClinGen Mitochondrial Disease and Tubulopathy Gene Curation Expert Panels); Heterozygous variant detected in trans with a second likely PATHOGENIC heterozygous variant (NM_152416.4:c.967del; p.(Tyr323Ilefs*18)) in a recessive disease.

Blueprint Genetics
Classification: Likely pathogenic for NDUFAF6-related disorders. Last evaluated: 2024-10-11. Review status: criteria provided, single submitter. Criteria: ACMG Guidelines, 2015. Collection method: clinical testing. Allele origin: germline. Affected: yes. Observed: 5 variant alleles.

Human Genome Sequencing Center Clinical Lab, Baylor College of Medicine
Classification: Likely pathogenic for Fanconi renotubular syndrome 5. Last evaluated: 2024-07-26. Review status: criteria provided, single submitter. Criteria: ACMG Guidelines, 2015. Collection method: clinical testing. Allele origin: biparental. Affected: yes.
Comment: The c.298-768T>C variant of NDUFAF6 is located in the intron 2 of the gene, encoding for NADH dehydrogenase (ubiquinone) complex I, assembly factor 6. This variant has been identified in homozygous status in individuals from seven families affected with the Acadian variant of Fanconi Syndrome (PMID: 27466185). These seven families belong to the Acadian ethnic group, a founder population in Nova Scotia, Canada. This variant was found to segregate with the disease in nine affected individuals across seven families, while this variant was heterozygous or absent in the 13 healthy siblings (PMID: 27466185). Splicing studies using mRNA derived from patient's skin fibroblasts and lung tissue revealed that this variant affected normal splicing and led to synthesis of aberrant NDUFAF6 isoforms that contained premature termination codons. Western blot studies revealed specific loss of mitochondrial isoform of NDUFAF6 in affected fibroblasts and decreased overall expression of NDUFAF6 in lung and kidney tissues of the patients. Studies on isolated mitochondria from patient's lung tissue or fibroblasts showed profound decrease in complex I biogenesis and mitochondrial respiratory rate which was corrected with NDUFAF6 wild type cDNA transfection (PMID: 27466185). This variant is found to be rare (7/152496; 0.00459%) in the general population database (gnomAD v4.1.0) and classified as pathogenic by two ClinVar submitters and variant of uncertain significance by one ClinVar submitter (VCV000917900.12). Based on these evidence, the c.298-768T>C intronic variant in the NDUFAF6 gene is classified as likely pathogenic.

Revvity Omics, Revvity
Classification: Pathogenic. Last evaluated: 2023-11-27. Review status: criteria provided, single submitter. Criteria: ACMG Guidelines, 2015. Collection method: clinical testing. Allele origin: germline.

GeneDx
Classification: Uncertain significance. Last evaluated: 2022-05-19. Review status: criteria provided, single submitter. Criteria: GeneDx Variant Classification Process June 2021. Collection method: clinical testing. Allele origin: germline. Affected: yes.
Comment: Observed in the apparent homozygous state in affected individuals from multiple Acadian families with a variant of Fanconi syndrome (Hartmannova et al., 2016); Published functional studies demonstrate a damaging effect: aberrant splicing, loss of expression in mitochondria, and reduced activity of complex I (Hartmannova H et al., 2016); No data available from control populations to assess the frequency of this variant; This variant is associated with the following publications: (PMID: 34426522, 27466185)

OMIM
Classification: Pathogenic for FANCONI RENOTUBULAR SYNDROME 5. Last evaluated: 2020-06-16. Review status: no assertion criteria provided. Collection method: literature only. Allele origin: germline. Not counted in ClinVar's aggregate classification.

Literature cited by the submitters: PubMed 27466185 (cited by 4 submitters).

NM_152416.4(NDUFAF6):c.298-768T>C

Gene: NDUFAF6 (NADH:ubiquinone oxidoreductase complex assembly factor 6; plus strand). Cytogenetic location: 8q22.1.
Variant type: single nucleotide variant.
Coding change: c.298-768T>C on transcript NM_152416.4 (MANE Select); 768 bases into the intron before coding-DNA position 298, T replaced by C.
Molecular consequence: intron variant. On other transcripts: 5 prime UTR variant (2).
Genome position (GRCh38, 1-based): chr8:95,034,686, T>C. VCF-style: chr8-95034686-T-C. GRCh37 (hg19) VCF-style: chr8-96046914-T-C.
Other names: IVS2AS, T-C, -768 (rs575462405); c.298-768T>C (NM_152416.3); c.-321T>C (NM_001354530.2, NM_001354532.2); c.-36-768T>C (NM_001354534.2, NM_001354517.2); c.22-768T>C (NM_001354514.2, NM_001354515.2, NM_001330582.2 and 1 more transcripts); c.-352-768T>C (NM_001354525.2, NM_001354524.2, NM_001354533.2); c.-283-768T>C (NM_001354522.2, NM_001354529.2); c.142-768T>C (NM_001354516.2); and 4 more.
Identifiers: ClinVar variation 917900 (VCV000917900.14), dbSNP rs575462405, ClinGen allele CA181472351.